The following is an entry in ClinVar:

NM_014921.5(ADGRL1):c.1115dup (p.Asp373fs)

Genes: ADGRL1 (adhesion G protein-coupled receptor L1; minus strand), ADGRL1-AS1 (ADGRL1 antisense RNA 1; plus strand). Cytogenetic location: 19p13.12.
Variant type: Duplication.
Coding change: c.1115dup on transcript NM_014921.5 (MANE Select); coding-DNA position 1115, one base duplicated (G; older notation c.1115dupG).
Protein change: p.Asp373fs; shifts the reading frame from aspartic acid 373.
Molecular consequence: frameshift variant.
Genome position (GRCh38, 1-based): chr19:14,162,686, C duplicated on the plus strand (G on the coding strand, the reverse complement: ADGRL1 is on the minus strand). VCF-style (leftmost placement, unchanged base first): chr19-14162685-G-GC. GRCh37 (hg19) VCF-style: chr19-14273497-G-GC.
Other names: c.1130dup, p.Asp378fs (NM_001008701.3); short protein forms D373fs, D378fs.
Identifiers: ClinVar variation 4891356 (VCV004891356.1).

ClinVar aggregate classification (germline): Uncertain significance (1 of 4 stars; one submission).

Submission:

GeneDx
Classification: Uncertain significance. Last evaluated: 2023-04-13. Review status: criteria provided, single submitter. Criteria: GeneDx Variant Classification Process June 2021. Collection method: clinical testing. Allele origin: germline.
Comment: Not observed at significant frequency in large population cohorts (gnomAD); Frameshift variant predicted to result in protein truncation or nonsense mediated decay in a gene or region of a gene for which loss of function is not a well-established mechanism of disease; Has not been previously published as pathogenic or benign to our knowledge; Variants in candidate genes are classified as variants of uncertain significance in accordance with ACMG guidelines (Richards et al., 2015)